The following is an entry in ClinVar:

NM_025145.7(CFAP43):c.764A>G (p.His255Arg)

Gene: CFAP43 (cilia and flagella associated protein 43; minus strand). Cytogenetic location: 10q25.1.
Variant type: single nucleotide variant.
Coding change: c.764A>G on transcript NM_025145.7 (MANE Select); coding-DNA position 764, A replaced by G.
Protein change: p.His255Arg; replaces histidine 255 with arginine.
Molecular consequence: missense variant.
Genome position (GRCh38, 1-based): chr10:104,207,796, T>C on the plus strand (A>G on the coding strand, the complement: CFAP43 is on the minus strand). VCF-style: chr10-104207796-T-C. GRCh37 (hg19) VCF-style: chr10-105967554-T-C.
Other names: short protein forms H255R.
Identifiers: ClinVar variation 2219603 (VCV002219603.27), dbSNP rs142762463, ClinGen allele CA5681116.

ClinVar aggregate classification (germline): Conflicting classifications of pathogenicity. Review status: criteria provided, conflicting classifications (1 of 4 stars). 2 submissions from 2 submitters: Uncertain significance (1); Likely benign (1). Last evaluated 2024-09-20.

Allele frequency attached by ClinVar (database versions not stated): gnomAD exomes 0.00019; 1000 Genomes Project 0.00020; ExAC 0.00020; 1000 Genomes Project 30x 0.00031; ESP Exome Variant Server 0.00031; gnomAD 0.00041; TOPMed 0.00042.
gnomAD v4.1: 370 of 1,613,836 alleles (0.023%); highest among the groups gnomAD compares: Middle Eastern, 0.23%; 2 homozygotes.

Submissions (2):

Ambry Genetics
Classification: Uncertain significance. Last evaluated: 2024-09-20. Review status: criteria provided, single submitter. Criteria: Ambry Variant Classification Scheme 2023. Collection method: clinical testing. Allele origin: germline.

CeGaT Center for Human Genetics Tuebingen
Classification: Likely benign. Last evaluated: 2022-04-01. Review status: criteria provided, single submitter. Criteria: CeGaT Center For Human Genetics Tuebingen Variant Classification Criteria Version 2. Collection method: clinical testing. Allele origin: germline. Affected: yes. Observed: 1 variant allele.
Comment: CFAP43: BP4